The following is an entry in ClinVar:

NM_001754.5(RUNX1):c.1089C>T (p.Gly363=)

Gene: RUNX1 (RUNX family transcription factor 1; minus strand). Cytogenetic location: 21q22.12.
Variant type: single nucleotide variant.
Coding change: c.1089C>T on transcript NM_001754.5 (MANE Select); coding-DNA position 1089, C replaced by T.
Protein change: p.Gly363=; no amino-acid change (glycine 363 retained).
Molecular consequence: synonymous variant.
Genome position (GRCh38, 1-based): chr21:34,792,489, G>A on the plus strand (C>T on the coding strand, the complement: RUNX1 is on the minus strand). VCF-style: chr21-34792489-G-A. GRCh37 (hg19) VCF-style: chr21-36164786-G-A.
Other names: NM_001754.5(RUNX1):c.1089C>T; p.Gly363=; c.1008C>T, p.Gly336= (NM_001001890.3).
Identifiers: ClinVar variation 1486967 (VCV001486967.7), dbSNP rs2056458294, ClinGen allele CA512341315.

ClinVar aggregate classification (germline): Likely benign. Review status: reviewed by expert panel (3 of 4 stars). 2 submissions from 2 submitters: Likely benign (1). 1 of the submissions does not count toward it. Last evaluated 2024-08-28.

Conditions:
Hereditary thrombocytopenia and hematologic cancer predisposition syndrome. Identifiers: Orphanet 71290, MedGen CN281654, MONDO:0011071.
Hereditary thrombocytopenia and hematological cancer predisposition syndrome associated with RUNX1. Also called: RUNX1 Familial Platelet Disorder with Associated Myeloid Malignancies; Familial Platelet Disorder with Propensity to Acute Myelogenous Leukemia; Familial thrombocytopenia with propensity to acute myelogenous leukemia; PLATELET DISORDER, ASPIRIN-LIKE. Identifiers: Orphanet 71290, MedGen C1832388, MeSH C563324, MONDO:0100083, OMIM 601399.

Allele frequency attached by ClinVar (database versions not stated): TOPMed below 0.00001.

Submissions (2):

ClinGen Myeloid Malignancy Variant Curation Expert Panel
Classification: Likely benign for Hereditary thrombocytopenia and hematologic cancer predisposition syndrome. Last evaluated: 2024-08-28. Review status: reviewed by expert panel. Criteria: ClinGen MyeloMalig ACMG Specifications v2. Collection method: curation. Allele origin: germline. Inheritance: Autosomal dominant inheritance.
Comment: NM_001754.5(RUNX1):c.1089C>T (p.Gly363=) is a synonymous variant. This variant is completely absent from all population databases with at least 20x coverage for RUNX1 in gnomAD v2.1.1 and v3.1.2 (PM2_supporting). This synonymous variant has a SpliceAI score ≤ 0.20 (0.0) (BP4). Evolutionary conservation algorithms predict the site as not being conserved (PhyloP score 1.49391 < 2.0) (BP7). This variant was reported in ClinVar in 2021 by Invitae, but the affected status of the proband is unknown (Variation ID 1486967). In summary, this variant meets criteria to be classified as likely benign. ACMG/AMP criteria applied, as specified by the Myeloid Malignancy Variant Curation Expert Panel for RUNX1: BP4, BP7, PM2_supporting.

Labcorp Genetics (formerly Invitae), Labcorp
Classification: Likely benign for Hereditary thrombocytopenia and hematological cancer predisposition syndrome associated with RUNX1. Last evaluated: 2024-02-17. Review status: criteria provided, single submitter. Criteria: Invitae Variant Classification Sherloc (09022015). Collection method: clinical testing. Allele origin: germline. Not counted in ClinVar's aggregate classification.